The following is an entry in ClinVar:

NM_000169.3(GLA):c.413del (p.Gly138fs)

Genes: GLA (galactosidase alpha; minus strand), RPL36A-HNRNPH2 (RPL36A-HNRNPH2 readthrough; plus strand). Cytogenetic location: Xq22.1.
Variant type: Deletion.
Coding change: c.413del on transcript NM_000169.3 (MANE Select); coding-DNA position 413, one base deleted (G; older notation c.413delG).
Protein change: p.Gly138fs; shifts the reading frame from glycine 138.
Molecular consequence: frameshift variant. On other transcripts: non-coding transcript variant (3), intron variant (2).
Genome position (GRCh38, 1-based): chrX:101,401,766, C deleted on the plus strand (G on the coding strand, the reverse complement: GLA is on the minus strand); the first of 2 consecutive C bases (chrX:101,401,766-101,401,767); deleting either gives the same sequence. VCF-style (leftmost placement, unchanged base first): chrX-101401765-TC-T. GRCh37 (hg19) VCF-style: chrX-100656753-TC-T.
Other names: c.536del, p.Gly179fs (NM_001406747.1, NM_001406749.1); c.413del, p.Gly138fs (NM_001406748.1); c.300+6310del (NM_001199973.2); c.177+9945del (NM_001199974.2); short protein forms G138fs, G179fs.
Identifiers: ClinVar variation 4086957 (VCV004086957.2), dbSNP rs869312301.
Genomic context (GRCh38, chrX:101,401,765, plus strand): 5'-GGTCTGGGCATCAATGTCGTAGTATCCAAAACTCCCAGGGAAGCCTGCGCAGGTTTTATT[TC>T]CAACATCTGCATAAATCCCTAGCTTCAGTCCTTTGCTGTGAACCTGAAATGAGAGGGAGG-3'

ClinVar aggregate classification (germline): Pathogenic (1 of 4 stars; one submission).

Conditions:
Fabry disease. Also called: ALPHA-GALACTOSIDASE A DEFICIENCY; ANDERSON-FABRY DISEASE; CERAMIDE TRIHEXOSIDASE DEFICIENCY; GLA DEFICIENCY; HEREDITARY DYSTOPIC LIPIDOSIS; Angiokeratoma corporis diffusum. Identifiers: Orphanet 324, MedGen C0002986, MONDO:0010526, OMIM 301500, HP:0001071. Disease mechanism: Fabry disease is due to inactivating mutations in the X-linked GLA gene resulting in deficiency of the enzyme Alpha Galactosidase-A., loss of function.

Submission:

Genomenon, Inc
Classification: Pathogenic for Fabry disease. Last evaluated: 2026-09-08. Review status: criteria provided, single submitter. Criteria: Genomenon Sequence Variant Interpretation Standards - Updated. Collection method: curation. Allele origin: germline. Affected: yes.
Comment: GLA p.Gly138GlufsTer27 (c.413del) is a frameshift variant that is predicted to introduce a premature termination codon and result in a truncated or absent protein product. This variant has been observed in at least one proband with clinical features consistent with Fabry disease (PMID:38716318). It is absent or not present at a significant frequency in gnomAD. In conclusion, we classify GLA p.Gly138GlufsTer27 (c.413del) as a pathogenic variant.

Literature cited by the submitters: PubMed 38716318.